The following is an entry in ClinVar:

ClinVar aggregate classification (germline): Benign/Likely benign. Review status: criteria provided, multiple submitters, no conflicts (2 of 4 stars). 4 submissions from 4 submitters: Benign (1); Likely benign (3). Last evaluated 2026-01-25.

Conditions:
Autoimmune interstitial lung disease-arthritis syndrome. Also called: Autoinflammation and autoimmunity, systemic, with immune dysregulation. Identifiers: Orphanet 444092, MedGen C5975714, MONDO:0014629.

Allele frequency attached by ClinVar (database versions not stated): gnomAD 0.00019; TOPMed 0.00027; ESP Exome Variant Server 0.00038; 1000 Genomes Project 0.00140; 1000 Genomes Project 30x 0.00141.
gnomAD v4.1: 967 of 1,607,578 alleles (0.06%); highest among the groups gnomAD compares: South Asian, 0.6%; 8 homozygotes.

Submissions (4):

Labcorp Genetics (formerly Invitae), Labcorp
Classification: Benign for Autoimmune interstitial lung disease-arthritis syndrome. Last evaluated: 2026-01-25. Review status: criteria provided, single submitter. Criteria: Invitae Variant Classification Sherloc (09022015). Collection method: clinical testing. Allele origin: germline.

CeGaT Center for Human Genetics Tuebingen
Classification: Likely benign. Last evaluated: 2025-10-01. Review status: criteria provided, single submitter. Criteria: CeGaT Center For Human Genetics Tuebingen Variant Classification Criteria Version 2. Collection method: clinical testing. Allele origin: germline. Affected: yes. Observed: 2 variant alleles.
Comment: COPA: BP4, BP7

Blueprint Genetics
Classification: Likely benign. Last evaluated: 2024-11-21. Review status: criteria provided, single submitter. Criteria: ACMG Guidelines, 2015. Collection method: clinical testing. Allele origin: germline.

Fulgent Genetics
Classification: Likely benign for Autoinflammation and autoimmunity with immune dysregulation 1. Last evaluated: 2021-08-13. Review status: criteria provided, single submitter. Criteria: ACMG Guidelines, 2015. Collection method: clinical testing. Allele origin: unknown.

NM_004371.4(COPA):c.399G>A (p.Gly133=)

Gene: COPA (coat protein complex I subunit alpha; minus strand). Cytogenetic location: 1q23.2.
Variant type: single nucleotide variant.
Coding change: c.399G>A on transcript NM_004371.4 (MANE Select); coding-DNA position 399, G replaced by A.
Protein change: p.Gly133=; no amino-acid change (glycine 133 retained).
Molecular consequence: synonymous variant.
Genome position (GRCh38, 1-based): chr1:160,332,545, C>T on the plus strand (G>A on the coding strand, the complement: COPA is on the minus strand). VCF-style: chr1-160332545-C-T. GRCh37 (hg19) VCF-style: chr1-160302335-C-T.
Other names: c.399G>A, p.Gly133= (NM_001098398.2, LRG_1336t1).
Identifiers: ClinVar variation 542645 (VCV000542645.22), dbSNP rs142221638, ClinGen allele CA1198368.